The following is an entry in ClinVar:

ClinVar aggregate classification (germline): Uncertain significance (1 of 4 stars; one submission).

gnomAD v4.1: 2 of 1,597,670 alleles (0.00013%); highest among the groups gnomAD compares: Non-Finnish European, 0.00017%; no homozygotes.

Submission:

Labcorp Genetics (formerly Invitae), Labcorp
Classification: Uncertain significance. Last evaluated: 2024-02-16. Review status: criteria provided, single submitter. Criteria: Invitae Variant Classification Sherloc (09022015). Collection method: clinical testing. Allele origin: germline.
Comment: This sequence change falls in intron 1 of the ASAH1 gene. It does not directly change the encoded amino acid sequence of the ASAH1 protein. It affects a nucleotide within the consensus splice site. This variant is not present in population databases (gnomAD no frequency). This variant has not been reported in the literature in individuals affected with ASAH1-related conditions. ClinVar contains an entry for this variant (Variation ID: 1366239). Variants that disrupt the consensus splice site are a relatively common cause of aberrant splicing (PMID: 17576681, 9536098). Algorithms developed to predict the effect of sequence changes on RNA splicing suggest that this variant may disrupt the consensus splice site. In summary, the available evidence is currently insufficient to determine the role of this variant in disease. Therefore, it has been classified as a Variant of Uncertain Significance.

Literature cited by the submitters: PubMed 17576681; PubMed 9536098.

NM_177924.5(ASAH1):c.78+3G>T

Gene: ASAH1 (N-acylsphingosine amidohydrolase 1; minus strand). Cytogenetic location: 8p22.
Variant type: single nucleotide variant.
Coding change: c.78+3G>T on transcript NM_177924.5 (MANE Select); 3 bases into the intron after coding-DNA position 78, G replaced by T.
Molecular consequence: intron variant.
Genome position (GRCh38, 1-based): chr8:18,083,978, C>A on the plus strand (G>T on the coding strand, the complement: ASAH1 is on the minus strand). VCF-style: chr8-18083978-C-A. GRCh37 (hg19) VCF-style: chr8-17941487-C-A.
Other names: c.126+698G>T (NM_004315.6, NM_001127505.3).
Identifiers: ClinVar variation 1366239 (VCV001366239.6), dbSNP rs2117107342, ClinGen allele CA2573142603.